The following is an entry in ClinVar:

ClinVar aggregate classification (germline): Pathogenic (1 of 4 stars; one submission).

Conditions:
Amelocerebrohypohidrotic syndrome (KTZS). Also called: EPILEPSY AND YELLOW TEETH; EPILEPSY, DEMENTIA, AND AMELOGENESIS IMPERFECTA; KOHLSCHUTTER SYNDROME; Kohlschutter's syndrome. Identifiers: Orphanet 1946, MedGen C0406740, MONDO:0009185, OMIM 226750.

Submission:

3billion
Classification: Pathogenic for Amelocerebrohypohidrotic syndrome. Last evaluated: 2023-12-02. Review status: criteria provided, single submitter. Criteria: ACMG Guidelines, 2015. Collection method: clinical testing. Allele origin: germline. Affected: yes.
Comment: The variant is not observed in the gnomAD v2.1.1 dataset. Predicted Consequence/Location: Stop-gained (nonsense): predicted to result in a loss or disruption of normal protein function through nonsense-mediated decay (NMD) or protein truncation. Multiple pathogenic variants are reported downstream of the variant. Therefore, this variant is classified as Pathogenic according to the recommendation of ACMG/AMP guideline.

NM_024589.3(ROGDI):c.63G>A (p.Trp21Ter)

Gene: ROGDI (rogdi atypical leucine zipper; minus strand). Cytogenetic location: 16p13.3.
Variant type: single nucleotide variant.
Coding change: c.63G>A on transcript NM_024589.3 (MANE Select); coding-DNA position 63, G replaced by A.
Protein change: p.Trp21Ter; replaces tryptophan 21 with a stop codon.
Molecular consequence: nonsense. On other transcripts: non-coding transcript variant (1).
Genome position (GRCh38, 1-based): chr16:4,802,436, C>T on the plus strand (G>A on the coding strand, the complement: ROGDI is on the minus strand). VCF-style: chr16-4802436-C-T. GRCh37 (hg19) VCF-style: chr16-4852437-C-T.
Other names: short protein forms W21*.
Identifiers: ClinVar variation 3775797 (VCV003775797.1).